The following is an entry in ClinVar:

NM_006231.4(POLE):c.6004G>A (p.Ala2002Thr)

Gene: POLE (DNA polymerase epsilon, catalytic subunit; minus strand). Cytogenetic location: 12q24.33.
Variant type: single nucleotide variant.
Coding change: c.6004G>A on transcript NM_006231.4 (MANE Select); coding-DNA position 6004, G replaced by A.
Protein change: p.Ala2002Thr; replaces alanine 2002 with threonine.
Molecular consequence: missense variant.
Genome position (GRCh38, 1-based): chr12:132,634,186, C>T on the plus strand (G>A on the coding strand, the complement: POLE is on the minus strand). VCF-style: chr12-132634186-C-T. GRCh37 (hg19) VCF-style: chr12-133210772-C-T.
Other names: short protein forms A2002T.
Identifiers: ClinVar variation 2911280 (VCV002911280.3), dbSNP rs1262266978, ClinGen allele CA387371398.

ClinVar aggregate classification (germline): Uncertain significance (1 of 4 stars; one submission).

Allele frequency attached by ClinVar (database versions not stated): gnomAD exomes 0.00001.
gnomAD v4.1: 8 of 1,610,210 alleles (0.0005%); highest among the groups gnomAD compares: South Asian, 0.0011%; no homozygotes.

Submission:

Labcorp Genetics (formerly Invitae), Labcorp
Classification: Uncertain significance. Last evaluated: 2022-12-15. Review status: criteria provided, single submitter. Criteria: Invitae Variant Classification Sherloc (09022015). Collection method: clinical testing. Allele origin: germline.
Comment: This sequence change replaces alanine, which is neutral and non-polar, with threonine, which is neutral and polar, at codon 2002 of the POLE protein (p.Ala2002Thr). This variant also falls at the last nucleotide of exon 43, which is part of the consensus splice site for this exon. This variant is present in population databases (no rsID available, gnomAD 0.0009%). This variant has not been reported in the literature in individuals affected with POLE-related conditions. Algorithms developed to predict the effect of missense changes on protein structure and function (SIFT, PolyPhen-2, Align-GVGD) all suggest that this variant is likely to be tolerated. Variants that disrupt the consensus splice site are a relatively common cause of aberrant splicing (PMID: 17576681, 9536098). In summary, the available evidence is currently insufficient to determine the role of this variant in disease. Therefore, it has been classified as a Variant of Uncertain Significance.

Literature cited by the submitters: PubMed 17576681; PubMed 9536098.